The following is an entry in ClinVar:

NM_001083619.3(GRIA2):c.1792C>T (p.Leu598Phe)

Gene: GRIA2 (glutamate ionotropic receptor AMPA type subunit 2; plus strand). Cytogenetic location: 4q32.1.
Variant type: single nucleotide variant.
Coding change: c.1792C>T on transcript NM_001083619.3 (MANE Select); coding-DNA position 1792, C replaced by T.
Protein change: p.Leu598Phe; replaces leucine 598 with phenylalanine.
Molecular consequence: missense variant.
Genome position (GRCh38, 1-based): chr4:157,336,695, C>T. VCF-style: chr4-157336695-C-T. GRCh37 (hg19) VCF-style: chr4-158257847-C-T.
Other names: c.1792C>T, p.Leu598Phe (NM_000826.6); c.1651C>T, p.Leu551Phe (NM_001083620.3, NM_001379000.3, NM_001379001.3); short protein forms L551F, L598F.
Identifiers: ClinVar variation 4086472 (VCV004086472.1).

ClinVar aggregate classification (germline): Uncertain significance (1 of 4 stars; one submission).

Submission:

GeneDx
Classification: Uncertain significance. Last evaluated: 2025-03-21. Review status: criteria provided, single submitter. Criteria: GeneDx Variant Classification Process June 2021. Collection method: clinical testing. Allele origin: germline. Affected: yes.
Comment: Not observed at significant frequency in large population cohorts (gnomAD); In silico analysis supports that this missense variant has a deleterious effect on protein structure/function; Has not been previously published as pathogenic or benign to our knowledge